The following is an entry in ClinVar:

NM_022089.4(ATP13A2):c.1195+10G>A

Gene: ATP13A2 (ATPase cation transporting 13A2; minus strand). Cytogenetic location: 1p36.13.
Variant type: single nucleotide variant.
Coding change: c.1195+10G>A on transcript NM_022089.4 (MANE Select); 10 bases into the intron after coding-DNA position 1195, G replaced by A.
Molecular consequence: intron variant.
Genome position (GRCh38, 1-based): chr1:16,997,010, C>T on the plus strand (G>A on the coding strand, the complement: ATP13A2 is on the minus strand). VCF-style: chr1-16997010-C-T. GRCh37 (hg19) VCF-style: chr1-17323505-C-T.
Other names: c.1180+10G>A (NM_001141974.3, NM_001141973.3).
Identifiers: ClinVar variation 194113 (VCV000194113.28), dbSNP rs55689004, ClinGen allele CA200965.

ClinVar aggregate classification (germline): Benign/Likely benign. Review status: criteria provided, multiple submitters, no conflicts (2 of 4 stars). 11 submissions from 11 submitters: Benign (3); Likely benign (4). 4 of the submissions do not count toward it. Last evaluated 2026-02-04.

Conditions:
Autosomal recessive spastic paraplegia type 78. Identifiers: Orphanet 513436, MedGen C5567893, MONDO:0014975, OMIM 617225.
Kufor-Rakeb syndrome (KRS). Also called: PARKINSON DISEASE 9, AUTOSOMAL RECESSIVE, JUVENILE-ONSET. Identifiers: Orphanet 306674, Orphanet 314632, MedGen C1847640, MONDO:0011706, OMIM 606693.

Allele frequency attached by ClinVar (database versions not stated): gnomAD exomes 0.00531 and 0.00627; gnomAD 0.00563 and 0.00585; ExAC 0.00608; 1000 Genomes Project 0.00300; 1000 Genomes Project 30x 0.00312; TOPMed 0.00360; ESP Exome Variant Server 0.00423.
gnomAD v4.1: 8,661 of 1,610,702 alleles (0.54%); highest among the groups gnomAD compares: Middle Eastern, 1%; 52 homozygotes.

Submissions (11):

Labcorp Genetics (formerly Invitae), Labcorp
Classification: Benign for Kufor-Rakeb syndrome; Autosomal recessive spastic paraplegia type 78. Last evaluated: 2026-02-04. Review status: criteria provided, single submitter. Criteria: Invitae Variant Classification Sherloc (09022015). Collection method: clinical testing. Allele origin: germline.

Blueprint Genetics
Classification: Likely benign. Last evaluated: 2024-11-25. Review status: criteria provided, single submitter. Criteria: ACMG Guidelines, 2015. Collection method: clinical testing. Allele origin: germline.

Athena Diagnostics
Classification: Benign. Last evaluated: 2020-02-11. Review status: criteria provided, single submitter. Criteria: Athena Diagnostics Criteria. Collection method: clinical testing. Allele origin: unknown.

GeneDx
Classification: Likely benign. Last evaluated: 2018-10-05. Review status: criteria provided, single submitter. Criteria: GeneDx Variant Classification Process June 2021. Collection method: clinical testing. Allele origin: germline. Affected: yes.

Illumina Laboratory Services, Illumina
Classification: Likely benign for Kufor-Rakeb syndrome. Last evaluated: 2018-01-13. Review status: criteria provided, single submitter. Criteria: ICSL Variant Classification Criteria 13 December 2019. Collection method: clinical testing. Allele origin: germline.
Comment: This variant was observed in the ICSL laboratory as part of a predisposition screen in an ostensibly healthy population. It had not been previously curated by ICSL or reported in the Human Gene Mutation Database (HGMD: prior to June 1st, 2018), and was therefore a candidate for classification through an automated scoring system. Utilizing variant allele frequency, disease prevalence and penetrance estimates, and inheritance mode, an automated score was calculated to assess if this variant is too frequent to cause the disease. Based on the score and internal cut-off values, a variant classified as likely benign is not then subjected to further curation. The score for this variant resulted in a classification of likely benign for this disease.

Eurofins Ntd Llc (ga)
Classification: Benign. Last evaluated: 2014-11-07. Review status: criteria provided, single submitter. Criteria: EGL Classification Definitions 2015. Collection method: clinical testing. Allele origin: germline. Observed: 2 variant alleles, 2 heterozygotes.

Breakthrough Genomics
Classification: Likely benign. Review status: criteria provided, single submitter. Criteria: ACMG Guidelines, 2015. Collection method: not provided. Allele origin: germline. Inheritance: Autosomal recessive inheritance. Affected: yes.

Mayo Clinic Laboratories, Mayo Clinic
Classification: Benign. Last evaluated: 2017-05-23. Review status: no assertion criteria provided. Collection method: clinical testing. Allele origin: unknown. Not counted in ClinVar's aggregate classification.

Clinical Genetics DNA and cytogenetics Diagnostics Lab, Erasmus MC, Erasmus Medical Center
Classification: Likely benign. Review status: no assertion criteria provided. Collection method: clinical testing. Allele origin: germline. Affected: yes. Study: VKGL Data-share Consensus. Not counted in ClinVar's aggregate classification.

Diagnostic Laboratory, Department of Genetics, University Medical Center Groningen
Classification: Likely benign for Kufor-Rakeb syndrome. Review status: no assertion criteria provided. Collection method: clinical testing. Allele origin: germline. Affected: yes. Study: VKGL Data-share Consensus. Not counted in ClinVar's aggregate classification.

Genome Diagnostics Laboratory, Amsterdam University Medical Center
Classification: Benign. Review status: no assertion criteria provided. Collection method: clinical testing. Allele origin: germline. Affected: yes. Study: VKGL Data-share Consensus. Not counted in ClinVar's aggregate classification.